The following is an entry in ClinVar:

NM_016653.3(MAP3K20):c.702T>A (p.Ser234Arg)

Genes: MAP3K20 (mitogen-activated protein kinase kinase kinase 20; plus strand), MAP3K20-AS1 (MAP3K20 antisense RNA 1; minus strand). Cytogenetic location: 2q31.1.
Variant type: single nucleotide variant.
Coding change: c.702T>A on transcript NM_016653.3 (MANE Select); coding-DNA position 702, T replaced by A.
Protein change: p.Ser234Arg; replaces serine 234 with arginine.
Molecular consequence: missense variant.
Genome position (GRCh38, 1-based): chr2:173,203,828, T>A. VCF-style: chr2-173203828-T-A. GRCh37 (hg19) VCF-style: chr2-174068556-T-A.
Other names: c.702T>A, p.Ser234Arg (NM_133646.3); short protein forms S234R.
Identifiers: ClinVar variation 1479338 (VCV001479338.6), dbSNP rs1232589575, ClinGen allele CA349313685.

ClinVar aggregate classification (germline): Uncertain significance (1 of 4 stars; one submission).

Allele frequency attached by ClinVar (database versions not stated): gnomAD exomes below 0.00001.
gnomAD v4.1: 2 of 1,613,948 alleles (0.00012%); highest among the groups gnomAD compares: South Asian, 0.0022%; no homozygotes.

Submission:

Labcorp Genetics (formerly Invitae), Labcorp
Classification: Uncertain significance. Last evaluated: 2021-07-25. Review status: criteria provided, single submitter. Criteria: Invitae Variant Classification Sherloc (09022015). Collection method: clinical testing. Allele origin: germline.
Comment: Experimental studies and prediction algorithms are not available or were not evaluated, and the functional significance of this variant is currently unknown. In summary, the available evidence is currently insufficient to determine the role of this variant in disease. Therefore, it has been classified as a Variant of Uncertain Significance. This variant has not been reported in the literature in individuals affected with MAP3K20-related conditions. This variant is not present in population databases (ExAC no frequency). This sequence change replaces serine with arginine at codon 234 of the MAP3K20 protein (p.Ser234Arg). The serine residue is highly conserved and there is a moderate physicochemical difference between serine and arginine.